The following is an entry in ClinVar:

NM_004304.5(ALK):c.4489A>C (p.Asn1497His)

Gene: ALK (ALK receptor tyrosine kinase; minus strand). Cytogenetic location: 2p23.2.
Variant type: single nucleotide variant.
Coding change: c.4489A>C on transcript NM_004304.5 (MANE Select); coding-DNA position 4489, A replaced by C.
Protein change: p.Asn1497His; replaces asparagine 1497 with histidine.
Molecular consequence: missense variant.
Genome position (GRCh38, 1-based): chr2:29,193,598, T>G on the plus strand (A>C on the coding strand, the complement: ALK is on the minus strand). VCF-style: chr2-29193598-T-G. GRCh37 (hg19) VCF-style: chr2-29416464-T-G.
Other names: c.1285A>C, p.Asn429His (NM_001353765.2); short protein forms N1497H, N429H.
Identifiers: ClinVar variation 2737537 (VCV002737537.3), dbSNP rs2148138141, ClinGen allele CA346461263.

ClinVar aggregate classification (germline): Uncertain significance (1 of 4 stars; one submission).

Conditions:
Neuroblastoma, susceptibility to, 3. Also called: ALK-Related Neuroblastic Tumor Susceptibility. Identifiers: Orphanet 635, MedGen C2751681, MONDO:0013083, OMIM 613014.

Submission:

Labcorp Genetics (formerly Invitae), Labcorp
Classification: Uncertain significance for Neuroblastoma, susceptibility to, 3. Last evaluated: 2025-01-06. Review status: criteria provided, single submitter. Criteria: Invitae Variant Classification Sherloc (09022015). Collection method: clinical testing. Allele origin: germline.
Comment: This sequence change replaces asparagine, which is neutral and polar, with histidine, which is basic and polar, at codon 1497 of the ALK protein (p.Asn1497His). This variant is not present in population databases (gnomAD no frequency). This variant has not been reported in the literature in individuals affected with ALK-related conditions. ClinVar contains an entry for this variant (Variation ID: 2737537). An algorithm developed to predict the effect of missense changes on protein structure and function (PolyPhen-2) suggests that this variant is likely to be disruptive. In summary, the available evidence is currently insufficient to determine the role of this variant in disease. Therefore, it has been classified as a Variant of Uncertain Significance.